The following is an entry in ClinVar:

ClinVar aggregate classification (germline): Uncertain significance (1 of 4 stars; one submission).

Conditions:
Cardiovascular phenotype. Identifiers: MedGen CN230736.

gnomAD v4.1: 17 of 1,614,076 alleles (0.0011%); highest among the groups gnomAD compares: African/African-American, 0.0053%; no homozygotes.

Submission:

Ambry Genetics
Classification: Uncertain significance for Cardiovascular phenotype. Last evaluated: 2021-12-03. Review status: criteria provided, single submitter. Criteria: Ambry Variant Classification Scheme 2023. Collection method: clinical testing. Allele origin: germline.
Comment: The p.R3742Q variant (also known as c.11225G>A), located in coding exon 46 of the AKAP9 gene, results from a G to A substitution at nucleotide position 11225. The arginine at codon 3742 is replaced by glutamine, an amino acid with highly similar properties. This amino acid position is well conserved in available vertebrate species. In addition, this alteration is predicted to be tolerated by in silico analysis. The evidence for this gene-disease relationship is limited; therefore, the clinical significance of this alteration is unclear.

NM_005751.5(AKAP9):c.11225G>A (p.Arg3742Gln)

Gene: AKAP9 (A-kinase anchoring protein 9; plus strand). Cytogenetic location: 7q21.2.
Variant type: single nucleotide variant.
Coding change: c.11225G>A on transcript NM_005751.5 (MANE Select); coding-DNA position 11225, G replaced by A.
Protein change: p.Arg3742Gln; replaces arginine 3742 with glutamine.
Molecular consequence: missense variant.
Genome position (GRCh38, 1-based): chr7:92,102,721, G>A. VCF-style: chr7-92102721-G-A. GRCh37 (hg19) VCF-style: chr7-91732035-G-A.
Other names: c.5870G>A, p.Arg1957Gln (NM_001379277.1); c.11201G>A, p.Arg3734Gln (NM_147185.3); short protein forms R3734Q, R1957Q, R3742Q.
Identifiers: ClinVar variation 1798021 (VCV001798021.2), dbSNP rs34101758, ClinGen allele CA4338112.
Genomic context (GRCh38, chr7:92,102,721, plus strand): 5'-TGCTGCTGTTACTGGGTGGGTTCCAGGAATGTGAAGATGCCACCTTGGCCCTGCTTGCCC[G>A]GATGGGGGGGCAGCCAGCTTTCACGGATCTAGAGGTGATCACCAATCGCCCAAAGGGCTT-3'
Protein context (NP_005742.4, residues 3732-3752): CEDATLALLA[Arg3742Gln]MGGQPAFTDL